The following is an entry in ClinVar:

ClinVar aggregate classification (germline): Uncertain significance (1 of 4 stars; one submission).

Conditions:
Noonan syndrome (NS). Also called: Noonan's syndrome. Identifiers: Orphanet 648, MedGen C0028326, MeSH D009634, MONDO:0018997. Disease mechanism: gain of function.

Allele frequency attached by ClinVar (database versions not stated): gnomAD exomes below 0.00001.
gnomAD v4.1: 1 of 1,590,230 alleles (0.000063%); highest among the groups gnomAD compares: Non-Finnish European, 0.000086%; no homozygotes.

Submission:

Labcorp Genetics (formerly Invitae), Labcorp
Classification: Uncertain significance for Noonan syndrome. Last evaluated: 2020-08-05. Review status: criteria provided, single submitter. Criteria: Invitae Variant Classification Sherloc (09022015). Collection method: clinical testing. Allele origin: germline.
Comment: This sequence change replaces glutamine with lysine at codon 185 of the RRAS protein (p.Gln185Lys). The glutamine residue is weakly conserved and there is a small physicochemical difference between glutamine and lysine. This variant is not present in population databases (ExAC no frequency). In summary, the available evidence is currently insufficient to determine the role of this variant in disease. Therefore, it has been classified as a Variant of Uncertain Significance. Algorithms developed to predict the effect of missense changes on protein structure and function (SIFT, PolyPhen-2, Align-GVGD) all suggest that this variant is likely to be tolerated, but these predictions have not been confirmed by published functional studies and their clinical significance is uncertain. This variant has not been reported in the literature in individuals with RRAS-related conditions.

NM_006270.5(RRAS):c.553C>A (p.Gln185Lys)

Gene: RRAS (RAS related; minus strand). Cytogenetic location: 19q13.33.
Variant type: single nucleotide variant.
Coding change: c.553C>A on transcript NM_006270.5 (MANE Select); coding-DNA position 553, C replaced by A.
Protein change: p.Gln185Lys; replaces glutamine 185 with lysine.
Molecular consequence: missense variant.
Genome position (GRCh38, 1-based): chr19:49,635,753, G>T on the plus strand (C>A on the coding strand, the complement: RRAS is on the minus strand). VCF-style: chr19-49635753-G-T. GRCh37 (hg19) VCF-style: chr19-50139010-G-T.
Other names: short protein forms Q185K.
Identifiers: ClinVar variation 1058138 (VCV001058138.9), dbSNP rs2122416729, ClinGen allele CA406845638.
Genomic context (GRCh38, chr19:49,635,753, plus strand): 5'-AGGGCTGGGGACAAGGACGACAGGAAGGGGACTTGGCTCACCGGACAGCCCGCACCAGCT[G>T]CTCAAAAGCCTCGTCCACGTTGAGACGCAGTTTGGCCGAGGCCTCAAAGTAGGCCACGTG-3'
Protein context (NP_006261.1, residues 175-195): LRLNVDEAFE[Gln185Lys]LVRAVRKYQE